The following is an entry in ClinVar:

ClinVar aggregate classification (germline): Uncertain significance. Review status: criteria provided, multiple submitters, no conflicts (2 of 4 stars). 3 submissions from 3 submitters: Uncertain significance (3). Last evaluated 2024-04-15.

Conditions:
Inborn genetic diseases. Identifiers: MedGen C0950123, MeSH D030342.
Brachydactyly. Also called: Brachydactyly (disease); Brachydactyly syndrome. Identifiers: MedGen C0221357, MONDO:0021004, HP:0001156.
Acromesomelic dysplasia 3 (AMD3). Also called: CHONDRODYSPLASIA, ACROMESOMELIC, WITH OR WITHOUT GENITAL ANOMALIES; Acromesomelic dysplasia, Demirhan type. Identifiers: MedGen C4225404, MONDO:0012274, OMIM 609441.
Type A2 brachydactyly (BDA2). Also called: Brachymesophalangy type 2; BRACHYMESOPHALANGY II; MOHR-WRIEDT TYPE BRACHYDACTYLY. Identifiers: Orphanet 93396, MedGen C1832702, MONDO:0007216, OMIM 112600, HP:0009372.

Allele frequency attached by ClinVar (database versions not stated): gnomAD exomes below 0.00001; TOPMed 0.00002.
gnomAD v4.1: 11 of 1,613,992 alleles (0.00068%); highest among the groups gnomAD compares: Non-Finnish European, 0.00085%; no homozygotes.

Submissions (3):

Ambry Genetics
Classification: Uncertain significance for Inborn genetic diseases. Last evaluated: 2024-04-15. Review status: criteria provided, single submitter. Criteria: Ambry Variant Classification Scheme 2023. Collection method: clinical testing. Allele origin: germline.

Labcorp Genetics (formerly Invitae), Labcorp
Classification: Uncertain significance for Type A2 brachydactyly; Acromesomelic dysplasia 3. Last evaluated: 2022-07-05. Review status: criteria provided, single submitter. Criteria: Invitae Variant Classification Sherloc (09022015). Collection method: clinical testing. Allele origin: germline.
Comment: In summary, the available evidence is currently insufficient to determine the role of this variant in disease. Therefore, it has been classified as a Variant of Uncertain Significance. Advanced modeling of protein sequence and biophysical properties (such as structural, functional, and spatial information, amino acid conservation, physicochemical variation, residue mobility, and thermodynamic stability) performed at Invitae indicates that this missense variant is expected to disrupt BMPR1B protein function. This sequence change replaces arginine, which is basic and polar, with glycine, which is neutral and non-polar, at codon 412 of the BMPR1B protein (p.Arg412Gly). ClinVar contains an entry for this variant (Variation ID: 905062). This variant has not been reported in the literature in individuals affected with BMPR1B-related conditions. This variant is not present in population databases (gnomAD no frequency).

Illumina Laboratory Services, Illumina
Classification: Uncertain significance for Brachydactyly. Last evaluated: 2018-01-13. Review status: criteria provided, single submitter. Criteria: ICSL Variant Classification Criteria 13 December 2019. Collection method: clinical testing. Allele origin: germline.

NM_001203.3(BMPR1B):c.1234A>G (p.Arg412Gly)

Gene: BMPR1B (bone morphogenetic protein receptor type 1B; plus strand). Cytogenetic location: 4q22.3.
Variant type: single nucleotide variant.
Coding change: c.1234A>G on transcript NM_001203.3 (MANE Select); coding-DNA position 1234, A replaced by G.
Protein change: p.Arg412Gly; replaces arginine 412 with glycine.
Molecular consequence: missense variant.
Genome position (GRCh38, 1-based): chr4:95,148,905, A>G. VCF-style: chr4-95148905-A-G. GRCh37 (hg19) VCF-style: chr4-96070056-A-G.
Other names: c.1234A>G, p.Arg412Gly (NM_001256792.2, NM_001256794.1); c.1324A>G, p.Arg442Gly (NM_001256793.2); short protein forms R442G, R412G.
Identifiers: ClinVar variation 905062 (VCV000905062.11), dbSNP rs1190618723, ClinGen allele CA357686088.